The following is an entry in ClinVar:

ClinVar aggregate classification (germline): Uncertain significance (1 of 4 stars; one submission).

Conditions:
Cohen syndrome (COH1). Also called: PEPPER SYNDROME; Cutis verticis gyrata, retinitis pigmentosa, and sensorineural deafness. Identifiers: Orphanet 193, MedGen C0265223, MONDO:0008999, OMIM 216550.

Allele frequency attached by ClinVar (database versions not stated): TOPMed below 0.00001.

Submission:

Labcorp Genetics (formerly Invitae), Labcorp
Classification: Uncertain significance for Cohen syndrome. Last evaluated: 2022-02-01. Review status: criteria provided, single submitter. Criteria: Invitae Variant Classification Sherloc (09022015). Collection method: clinical testing. Allele origin: germline.
Comment: This sequence change replaces proline, which is neutral and non-polar, with alanine, which is neutral and non-polar, at codon 8 of the VPS13B protein (p.Pro8Ala). This variant is not present in population databases (gnomAD no frequency). This variant has not been reported in the literature in individuals affected with VPS13B-related conditions. Algorithms developed to predict the effect of missense changes on protein structure and function are either unavailable or do not agree on the potential impact of this missense change (SIFT: "Not Available"; PolyPhen-2: "Possibly Damaging"; Align-GVGD: "Not Available"). In summary, the available evidence is currently insufficient to determine the role of this variant in disease. Therefore, it has been classified as a Variant of Uncertain Significance.

NM_152564.5(VPS13B):c.22C>G (p.Pro8Ala)

Gene: VPS13B (vacuolar protein sorting 13 homolog B; plus strand). Cytogenetic location: 8q22.2.
Variant type: single nucleotide variant.
Coding change: c.22C>G on transcript NM_152564.5 (MANE Select); coding-DNA position 22, C replaced by G.
Protein change: p.Pro8Ala; replaces proline 8 with alanine.
Molecular consequence: missense variant. On other transcripts: non-coding transcript variant (1).
Genome position (GRCh38, 1-based): chr8:99,013,810, C>G. VCF-style: chr8-99013810-C-G. GRCh37 (hg19) VCF-style: chr8-100026038-C-G.
Other names: c.22C>G, p.Pro8Ala (NM_015243.3, NM_017890.5, NM_181661.3); short protein forms P8A.
Identifiers: ClinVar variation 2086154 (VCV002086154.1), dbSNP rs756556871, ClinGen allele CA371856021.
Genomic context (GRCh38, chr8:99,013,810, plus strand): 5'-CTCCTTTCAGCTTCCGACTTCGACTCCTTACCTTAAAAGATGCTGGAGTCATATGTAACT[C>G]CAATTTTAATGAGCTATGTGAATCGCTACATCAAGAACTTAAAGCCGTCGGATCTACAGC-3'
Protein context (NP_689777.3, residues 1-18): MLESYVT[Pro8Ala]ILMSYVNRYI